The following is an entry in ClinVar:

NM_000127.3(EXT1):c.286A>G (p.Lys96Glu)

Gene: EXT1 (exostosin glycosyltransferase 1; minus strand). Cytogenetic location: 8q24.11.
Variant type: single nucleotide variant.
Coding change: c.286A>G on transcript NM_000127.3 (MANE Select); coding-DNA position 286, A replaced by G.
Protein change: p.Lys96Glu; replaces lysine 96 with glutamic acid.
Molecular consequence: missense variant.
Genome position (GRCh38, 1-based): chr8:118,110,761, T>C on the plus strand (A>G on the coding strand, the complement: EXT1 is on the minus strand). VCF-style: chr8-118110761-T-C. GRCh37 (hg19) VCF-style: chr8-119123000-T-C.
Other names: short protein forms K96E.
Identifiers: ClinVar variation 2061308 (VCV002061308.4), dbSNP rs1817884837, ClinGen allele CA371916199.

ClinVar aggregate classification (germline): Uncertain significance (1 of 4 stars; one submission).

Conditions:
Multiple congenital exostosis (EXT). Also called: Hereditary multiple exostoses; Hereditary multiple exostosis; Hereditary multiple osteochondromas; MULTIPLE CARTILAGINOUS EXOSTOSES; Multiple exostoses; Multiple osteochondromas. Identifiers: Orphanet 321, MedGen C0015306, MONDO:0005508, HP:0002762.

Allele frequency attached by ClinVar (database versions not stated): gnomAD exomes below 0.00001.
gnomAD v4.1: 1 of 1,614,206 alleles (0.000062%); highest among the groups gnomAD compares: Non-Finnish European, 0.000085%; no homozygotes.

Submission:

Labcorp Genetics (formerly Invitae), Labcorp
Classification: Uncertain significance for Multiple congenital exostosis. Last evaluated: 2021-12-26. Review status: criteria provided, single submitter. Criteria: Invitae Variant Classification Sherloc (09022015). Collection method: clinical testing. Allele origin: germline.
Comment: In summary, the available evidence is currently insufficient to determine the role of this variant in disease. Therefore, it has been classified as a Variant of Uncertain Significance. Advanced modeling of protein sequence and biophysical properties (such as structural, functional, and spatial information, amino acid conservation, physicochemical variation, residue mobility, and thermodynamic stability) performed at Invitae indicates that this missense variant is not expected to disrupt EXT1 protein function. This variant has not been reported in the literature in individuals affected with EXT1-related conditions. This variant is not present in population databases (gnomAD no frequency). This sequence change replaces lysine, which is basic and polar, with glutamic acid, which is acidic and polar, at codon 96 of the EXT1 protein (p.Lys96Glu).